The following is an entry in ClinVar:

ClinVar aggregate classification (germline): Uncertain significance (1 of 4 stars; one submission).

Conditions:
Familial sleep-related hypermotor epilepsy. Also called: Autosomal Dominant Sleep-Related Hypermotor (Hyperkinetic) Epilepsy. Identifiers: Orphanet 98784, MedGen C3696898, MONDO:0000030.

Allele frequency attached by ClinVar (database versions not stated): gnomAD exomes below 0.00001.
gnomAD v4.1: 1 of 1,601,232 alleles (0.000062%); highest among the groups gnomAD compares: Non-Finnish European, 0.000085%; no homozygotes.

Submission:

Labcorp Genetics (formerly Invitae), Labcorp
Classification: Uncertain significance. Last evaluated: 2018-09-20. Review status: criteria provided, single submitter. Criteria: Invitae Variant Classification Sherloc (09022015). Collection method: clinical testing. Allele origin: germline.
Comment: This variant has not been reported in the literature in individuals with CHRNB2-related disease. This sequence change replaces glycine with aspartic acid at codon 6 of the CHRNB2 protein (p.Gly6Asp). The glycine residue is weakly conserved and there is a moderate physicochemical difference between glycine and aspartic acid. This variant is not present in population databases (ExAC no frequency). Algorithms developed to predict the effect of missense changes on protein structure and function (SIFT, PolyPhen-2, Align-GVGD) all suggest that this variant is likely to be tolerated, but these predictions have not been confirmed by published functional studies and their clinical significance is uncertain. In summary, the available evidence is currently insufficient to determine the role of this variant in disease. Therefore, it has been classified as a Variant of Uncertain Significance.

NM_000748.3(CHRNB2):c.17G>A (p.Gly6Asp)

Genes: CHRNB2 (cholinergic receptor nicotinic beta 2 subunit; plus strand), LOC129931511 (ATAC-STARR-seq lymphoblastoid silent region 1363; plus strand). Cytogenetic location: 1q21.3.
Variant type: single nucleotide variant.
Coding change: c.17G>A on transcript NM_000748.3 (MANE Select); coding-DNA position 17, G replaced by A.
Protein change: p.Gly6Asp; replaces glycine 6 with aspartic acid.
Molecular consequence: missense variant.
Genome position (GRCh38, 1-based): chr1:154,568,061, G>A. VCF-style: chr1-154568061-G-A. GRCh37 (hg19) VCF-style: chr1-154540537-G-A.
Other names: short protein forms G6D.
Identifiers: ClinVar variation 640524 (VCV000640524.9), dbSNP rs1304588530, ClinGen allele CA342629064.